The following is an entry in ClinVar:

NM_020964.3(EPG5):c.5383G>T (p.Ala1795Ser)

Gene: EPG5 (ectopic P-granules 5 autophagy tethering factor; minus strand). Cytogenetic location: 18q12.3.
Variant type: single nucleotide variant.
Coding change: c.5383G>T on transcript NM_020964.3 (MANE Select); coding-DNA position 5383, G replaced by T.
Protein change: p.Ala1795Ser; replaces alanine 1795 with serine.
Molecular consequence: missense variant.
Genome position (GRCh38, 1-based): chr18:45,882,409, C>A on the plus strand (G>T on the coding strand, the complement: EPG5 is on the minus strand). VCF-style: chr18-45882409-C-A. GRCh37 (hg19) VCF-style: chr18-43462374-C-A.
Other names: c.5383G>T, p.Ala1795Ser (LRG_1234t1); short protein forms A1795S.
Identifiers: ClinVar variation 646272 (VCV000646272.10), dbSNP rs369731452, ClinGen allele CA299714200.
Genomic context (GRCh38, chr18:45,882,409, plus strand): 5'-AGAAAAGATTAAATGGCATCAAAATATCCTCATCTGGTTCAAGGCCCCAGGCAGTAAGTG[C>A]CAAGTGAATGGACTCCAGAAGCCTGGTACGATCAGACAGAGGAGGTTTAGTGGCGCTTAA-3'
Protein context (NP_066015.2, residues 1785-1805): RTRLLESIHL[Ala1795Ser]LTAWGLEPDE

ClinVar aggregate classification (germline): Uncertain significance (1 of 4 stars; one submission).

Conditions:
Vici syndrome (VICIS). Identifiers: Orphanet 1493, MedGen C1855772, MONDO:0009452, OMIM 242840.

Allele frequency attached by ClinVar (database versions not stated): gnomAD exomes 0.00002 and 0.00008; TOPMed 0.00002; gnomAD 0.00004; ESP Exome Variant Server 0.00008.
gnomAD v4.1: 113 of 1,614,114 alleles (0.007%); highest among the groups gnomAD compares: Non-Finnish European, 0.0095%; no homozygotes.

Submission:

Labcorp Genetics (formerly Invitae), Labcorp
Classification: Uncertain significance for Vici syndrome. Last evaluated: 2024-04-06. Review status: criteria provided, single submitter. Criteria: Invitae Variant Classification Sherloc (09022015). Collection method: clinical testing. Allele origin: germline.
Comment: This sequence change replaces alanine, which is neutral and non-polar, with serine, which is neutral and polar, at codon 1795 of the EPG5 protein (p.Ala1795Ser). This variant is present in population databases (rs369731452, gnomAD 0.004%). This variant has not been reported in the literature in individuals affected with EPG5-related conditions. ClinVar contains an entry for this variant (Variation ID: 646272). Advanced modeling of protein sequence and biophysical properties (such as structural, functional, and spatial information, amino acid conservation, physicochemical variation, residue mobility, and thermodynamic stability) performed at Invitae indicates that this missense variant is not expected to disrupt EPG5 protein function with a negative predictive value of 80%. In summary, the available evidence is currently insufficient to determine the role of this variant in disease. Therefore, it has been classified as a Variant of Uncertain Significance.